The following is an entry in ClinVar:

ClinVar aggregate classification (germline): Uncertain significance. Review status: criteria provided, multiple submitters, no conflicts (2 of 4 stars). 6 submissions from 6 submitters: Uncertain significance (5). 1 of the submissions does not count toward it. Last evaluated 2026-04-17.

Conditions:
MYH6-related disorder. Also called: MYH6-Related Disorders; MYH6-related condition.
Cardiovascular phenotype. Identifiers: MedGen CN230736.
Atrial septal defect 3 (ASD3). Identifiers: Orphanet 1478, MedGen C3279790, MONDO:0013567, OMIM 614089.
Dilated cardiomyopathy 1EE (CMD1EE). Identifiers: Orphanet 154, MedGen C2750466, MONDO:0013198, OMIM 613252.
Hypertrophic cardiomyopathy 14. Identifiers: MedGen C2750467, MONDO:0013197, OMIM 613251.
Hypertrophic cardiomyopathy 1 (CMH1). Also called: MYH7-Related Familial Hypertrophic Cardiomyopathy; Familial hypertrophic cardiomyopathy 1. Identifiers: MedGen C3495498, MONDO:0008647, OMIM 192600.
Sick sinus syndrome 3, susceptibility to (SSS3). Identifiers: Orphanet 166282, MedGen C3279791, MONDO:0013568, OMIM 614090.

Allele frequency attached by ClinVar (database versions not stated): gnomAD exomes below 0.00001 and 0.00001; ExAC 0.00002; gnomAD 0.00003 and 0.00004; TOPMed 0.00005; ESP Exome Variant Server 0.00008.
gnomAD v4.1: 13 of 1,614,030 alleles (0.00081%); highest among the groups gnomAD compares: African/African-American, 0.008%; no homozygotes.

Submissions (6):

Women's Health and Genetics/Laboratory Corporation of America, LabCorp
Classification: Uncertain significance. Last evaluated: 2026-04-17. Review status: criteria provided, single submitter. Criteria: LabCorp Variant Classification Summary - May 2015. Collection method: clinical testing. Allele origin: germline.

Labcorp Genetics (formerly Invitae), Labcorp
Classification: Uncertain significance for Hypertrophic cardiomyopathy 14. Last evaluated: 2025-06-15. Review status: criteria provided, single submitter. Criteria: Invitae Variant Classification Sherloc (09022015). Collection method: clinical testing. Allele origin: germline.
Comment: This sequence change replaces alanine, which is neutral and non-polar, with valine, which is neutral and non-polar, at codon 1912 of the MYH6 protein (p.Ala1912Val). This variant is present in population databases (rs373076710, gnomAD 0.01%). This variant has not been reported in the literature in individuals affected with MYH6-related conditions. ClinVar contains an entry for this variant (Variation ID: 179021). Invitae Evidence Modeling of protein sequence and biophysical properties (such as structural, functional, and spatial information, amino acid conservation, physicochemical variation, residue mobility, and thermodynamic stability) indicates that this missense variant is not expected to disrupt MYH6 protein function with a negative predictive value of 80%. In summary, the available evidence is currently insufficient to determine the role of this variant in disease. Therefore, it has been classified as a Variant of Uncertain Significance.

Ambry Genetics
Classification: Uncertain significance for Cardiovascular phenotype. Last evaluated: 2025-01-11. Review status: criteria provided, single submitter. Criteria: Ambry Variant Classification Scheme 2023. Collection method: clinical testing. Allele origin: germline.
Comment: The p.A1912V variant (also known as c.5735C>T), located in coding exon 36 of the MYH6 gene, results from a C to T substitution at nucleotide position 5735. The alanine at codon 1912 is replaced by valine, an amino acid with similar properties. This amino acid position is conserved. In addition, the in silico prediction for this alteration is inconclusive. Since supporting evidence is limited at this time, the clinical significance of this alteration remains unclear.

Fulgent Genetics
Classification: Uncertain significance for Hypertrophic cardiomyopathy 1; Hypertrophic cardiomyopathy 14; Dilated cardiomyopathy 1EE; Atrial septal defect 3; Sick sinus syndrome 3, susceptibility to. Last evaluated: 2021-10-14. Review status: criteria provided, single submitter. Criteria: ACMG Guidelines, 2015. Collection method: clinical testing. Allele origin: unknown.

Laboratory for Molecular Medicine, Mass General Brigham Personalized Medicine
Classification: Uncertain significance. Last evaluated: 2014-07-03. Review status: criteria provided, single submitter. Criteria: LMM Criteria. Collection method: clinical testing. Allele origin: germline. Observed: 1 variant allele.
Comment: The Ala1912Val variant in MYH6 has not been previously reported in individuals w ith cardiomyopathy or in large population studies, but has been identified in 1/ 4406 African American chromosomes by the NHLBI Exome Sequencing Project (dbSNP rs373076710). Computational prediction tools a nd conservation analysis suggest that this variant may impact the protein, thoug h this information is not predictive enough to determine pathogenicity. In summa ry, the clinical significance of the Ala1912Val variant is uncertain.

PreventionGenetics, part of Exact Sciences
Classification: Uncertain significance for MYH6-related condition. Last evaluated: 2024-09-13. Review status: no assertion criteria provided. Collection method: clinical testing. Allele origin: germline. Not counted in ClinVar's aggregate classification.
Comment: The MYH6 c.5735C>T variant is predicted to result in the amino acid substitution p.Ala1912Val. To our knowledge, this variant has not been reported in the literature. This variant is reported in 0.012% of alleles in individuals of African descent in gnomAD. At this time, the clinical significance of this variant is uncertain due to the absence of conclusive functional and genetic evidence.

NM_002471.4(MYH6):c.5735C>T (p.Ala1912Val)

Gene: MYH6 (myosin heavy chain 6; minus strand). Cytogenetic location: 14q11.2.
Variant type: single nucleotide variant.
Coding change: c.5735C>T on transcript NM_002471.4 (MANE Select); coding-DNA position 5735, C replaced by T.
Protein change: p.Ala1912Val; replaces alanine 1912 with valine.
Molecular consequence: missense variant.
Genome position (GRCh38, 1-based): chr14:23,382,489, G>A on the plus strand (C>T on the coding strand, the complement: MYH6 is on the minus strand). VCF-style: chr14-23382489-G-A. GRCh37 (hg19) VCF-style: chr14-23851698-G-A.
Other names: short protein forms A1912V.
Identifiers: ClinVar variation 179021 (VCV000179021.18), dbSNP rs373076710, ClinGen allele CA183526.